The following is an entry in ClinVar:

ClinVar aggregate classification (germline): Uncertain significance (1 of 4 stars; one submission).

Submission:

Women's Health and Genetics/Laboratory Corporation of America, LabCorp
Classification: Uncertain significance. Last evaluated: 2021-11-15. Review status: criteria provided, single submitter. Criteria: LabCorp Variant Classification Summary - May 2015. Collection method: clinical testing. Allele origin: germline.
Comment: Variant summary: TAF6 c.1629_1632dupGTCC (p.Ser545ValfsX194) causes a frameshift which results in an extension of the protein. The variant was absent in 250064 control chromosomes (gnomAD). To our knowledge, no occurrence of c.1629_1632dupGTCC in individuals affected with Alazami-Yuan Syndrome and no experimental evidence demonstrating its impact on protein function have been reported. Also, to our knowledge, no pathogenic variants downstream of the new stop codon have been reported. No clinical diagnostic laboratories have submitted clinical-significance assessments for this variant to ClinVar after 2014. Based on the evidence outlined above, the variant was classified as uncertain significance.

NM_139315.3(TAF6):c.1629_1632dup (p.Ser545fs)

Genes: AP4M1 (adaptor related protein complex 4 subunit mu 1; plus strand), TAF6 (TATA-box binding protein associated factor 6; minus strand). Cytogenetic location: 7q22.1.
Variant type: Duplication.
Coding change: c.1629_1632dup on transcript NM_139315.3 (MANE Select); coding-DNA positions 1629 to 1632, 4 bases duplicated (GTCC; older notation c.1629_1632dupGTCC).
Protein change: p.Ser545fs; shifts the reading frame from serine 545.
Molecular consequence: frameshift variant. On other transcripts: non-coding transcript variant (1), 3 prime UTR variant (2).
Genome position (GRCh38, 1-based): chr7:100,107,950-100,107,953, GGAC duplicated on the plus strand (GTCC on the coding strand, the reverse complement: TAF6 is on the minus strand); duplicating any 4 consecutive bases within chr7:100,107,950-100,107,954 gives the same sequence; the c. name uses the placement nearest the transcript's 3' end. VCF-style (leftmost placement, unchanged base first): chr7-100107949-A-AGGAC. GRCh37 (hg19) VCF-style: chr7-99705572-A-AGGAC.
Other names: c.1740_1743dup, p.Ser582fs (NM_001190415.2); c.1629_1632dup, p.Ser545fs (NM_001364998.1, NM_001364999.1, NM_005641.4); c.1599_1602dup, p.Ser535fs (NM_001365000.1, NM_001365001.1, NM_001365002.1 and 1 more transcripts); c.1767_1770dup, p.Ser591fs (NM_001365004.1); c.*1069_*1072dup (NM_001363671.2, NM_004722.4); short protein forms S535fs, S545fs, S582fs, S591fs.
Identifiers: ClinVar variation 1329022 (VCV001329022.1), dbSNP rs1796720731, ClinGen allele CA1105017935.